The following is an entry in ClinVar:

ClinVar aggregate classification (germline): Likely benign (0 of 4 stars; one submission).

Conditions:
PIDD1-related disorder. Also called: PIDD1-related condition.

Allele frequency attached by ClinVar (database versions not stated): gnomAD exomes 0.00007; ExAC 0.00036; gnomAD 0.00078; TOPMed 0.00091; ESP Exome Variant Server 0.00116; 1000 Genomes Project 30x 0.00187; 1000 Genomes Project 0.00200.

Submission:

PreventionGenetics, part of Exact Sciences
Classification: Likely benign for PIDD1-related condition. Last evaluated: 2019-11-06. Review status: no assertion criteria provided. Collection method: clinical testing. Allele origin: germline.
Comment: This variant is classified as likely benign based on ACMG/AMP sequence variant interpretation guidelines (Richards et al. 2015 PMID: 25741868, with internal and published modifications).

NM_145886.4(PIDD1):c.2475-10C>T

Gene: PIDD1 (p53-induced death domain protein 1; minus strand). Cytogenetic location: 11p15.5.
Variant type: single nucleotide variant.
Coding change: c.2475-10C>T on transcript NM_145886.4 (MANE Select); 10 bases into the intron before coding-DNA position 2475, C replaced by T.
Molecular consequence: intron variant.
Genome position (GRCh38, 1-based): chr11:799,575, G>A on the plus strand (C>T on the coding strand, the complement: PIDD1 is on the minus strand). VCF-style: chr11-799575-G-A. GRCh37 (hg19) VCF-style: chr11-799575-G-A.
Other names: c.2424-10C>T (NM_145887.4).
Identifiers: ClinVar variation 3045597 (VCV003045597.2), dbSNP rs59801538, ClinGen allele CA5789525.